The following is an entry in ClinVar:

NM_024339.5(THOC6):c.[298T>A;700G>C824G>A]

Variant type: Haplotype.
Identifiers: ClinVar variation 983559 (VCV000983559.2).

ClinVar aggregate classification (germline): Pathogenic. Review status: no assertion criteria provided (0 of 4 stars). 2 submissions from 2 submitters: Pathogenic (2). Last evaluated 2020-11-06.

Conditions:
THOC6-related developmental delay-microcephaly-facial dysmorphism syndrome. Also called: Microcephaly, mental retardation, and distinctive facies, with cardiac and genitourinary malformations; Beaulieu-Boycott-Innes syndrome; THOC6 Intellectual Disability Syndrome. Identifiers: Orphanet 363444, MedGen C3150939, MONDO:0013362, OMIM 613680.

Submissions (2):

OMIM
Classification: Pathogenic for BEAULIEU-BOYCOTT-INNES SYNDROME. Last evaluated: 2020-11-06. Review status: no assertion criteria provided. Collection method: literature only. Allele origin: germline.

GeneReviews
Classification: Pathogenic for THOC6-related developmental delay-microcephaly-facial dysmorphism syndrome. Last evaluated: 2020-08-05. Review status: no assertion criteria provided. Collection method: literature only. Allele origin: germline.
Comment: The 3 missense variants reported as a common haplotype

Literature cited by the submitters: PubMed 30476144 (cited by OMIM and GeneReviews); PubMed 27295358 (cited by GeneReviews); PubMed 31421288 (cited by GeneReviews); PubMed 32790266 (cited by GeneReviews).